The following is an entry in ClinVar:

ClinVar aggregate classification (germline): Uncertain significance (1 of 4 stars; one submission).

Conditions:
Familial hemiplegic migraine. Identifiers: MedGen C0338484, MONDO:0000700.

Submission:

Labcorp Genetics (formerly Invitae), Labcorp
Classification: Uncertain significance for Familial hemiplegic migraine. Last evaluated: 2022-10-10. Review status: criteria provided, single submitter. Criteria: Invitae Variant Classification Sherloc (09022015). Collection method: clinical testing. Allele origin: germline.
Comment: This sequence change replaces threonine, which is neutral and polar, with arginine, which is basic and polar, at codon 415 of the ATP1A2 protein (p.Thr415Arg). This variant is not present in population databases (gnomAD no frequency). This variant has not been reported in the literature in individuals affected with ATP1A2-related conditions. Advanced modeling of protein sequence and biophysical properties (such as structural, functional, and spatial information, amino acid conservation, physicochemical variation, residue mobility, and thermodynamic stability) performed at Invitae indicates that this missense variant is not expected to disrupt ATP1A2 protein function. Algorithms developed to predict the effect of sequence changes on RNA splicing suggest that this variant may create or strengthen a splice site. In summary, the available evidence is currently insufficient to determine the role of this variant in disease. Therefore, it has been classified as a Variant of Uncertain Significance.

NM_000702.4(ATP1A2):c.1244C>G (p.Thr415Arg)

Gene: ATP1A2 (ATPase Na+/K+ transporting subunit alpha 2; plus strand). Cytogenetic location: 1q23.2.
Variant type: single nucleotide variant.
Coding change: c.1244C>G on transcript NM_000702.4 (MANE Select); coding-DNA position 1244, C replaced by G.
Protein change: p.Thr415Arg; replaces threonine 415 with arginine.
Molecular consequence: missense variant.
Genome position (GRCh38, 1-based): chr1:160,129,007, C>G. VCF-style: chr1-160129007-C-G. GRCh37 (hg19) VCF-style: chr1-160098797-C-G.
Other names: short protein forms T415R.
Identifiers: ClinVar variation 1721414 (VCV001721414.5), dbSNP rs121918618, ClinGen allele CA343240212.